The following is an entry in ClinVar:

NM_000426.4(LAMA2):c.2512G>A (p.Gly838Arg)

Gene: LAMA2 (laminin subunit alpha 2; plus strand). Cytogenetic location: 6q22.33.
Variant type: single nucleotide variant.
Coding change: c.2512G>A on transcript NM_000426.4 (MANE Select); coding-DNA position 2512, G replaced by A.
Protein change: p.Gly838Arg; replaces glycine 838 with arginine.
Molecular consequence: missense variant.
Genome position (GRCh38, 1-based): chr6:129,280,122, G>A. VCF-style: chr6-129280122-G-A. GRCh37 (hg19) VCF-style: chr6-129601267-G-A.
Other names: c.2512G>A, p.Gly838Arg (NM_001079823.2); short protein forms G838R.
Identifiers: ClinVar variation 573318 (VCV000573318.18), dbSNP rs150361703, ClinGen allele CA3992968.
Genomic context (GRCh38, chr6:129,280,122, plus strand): 5'-TTTAGCCCAACGTGCCATTTAGACCGGAGTCTTGGATTGATCTGTGATGGATGCCCTGTC[G>A]GGTACACAGGACCACGCTGTGAGAGGTAAGAGTATACTACACTGTCTTGCAAAATGATTT-3'
Protein context (NP_000417.3, residues 828-848): LGLICDGCPV[Gly838Arg]YTGPRCERCA

ClinVar aggregate classification (germline): Uncertain significance. Review status: criteria provided, multiple submitters, no conflicts (2 of 4 stars). 8 submissions from 8 submitters: Uncertain significance (7). 1 of the submissions does not count toward it. Last evaluated 2025-03-20.

Conditions:
Muscular dystrophy, limb-girdle, autosomal recessive 23. Identifiers: Orphanet 565837, MedGen C4748327, MONDO:0029136, OMIM 618138.
Merosin deficient congenital muscular dystrophy (MDC1A). Also called: Congenital merosin-deficient muscular dystrophy 1A; Congenital Muscular Dystrophy Type 1A (MDC1A). Identifiers: Orphanet 258, MedGen C1263858, MONDO:0011925, OMIM 607855.
Intellectual disability. Also called: Intellectual developmental disorder; Intellectual functioning disability; intellectual disabilities. Identifiers: MedGen C3714756, MeSH D008607, MONDO:0001071, HP:0001249.
LAMA2-related muscular dystrophy (LAMA2-RD). Also called: Laminin alpha 2-related dystrophy. Identifiers: MedGen C5679788, MONDO:0100228.
Inborn genetic diseases. Identifiers: MedGen C0950123, MeSH D030342.

Allele frequency attached by ClinVar (database versions not stated): gnomAD 0.00004; ExAC 0.00005; gnomAD exomes 0.00004 and 0.00005; TOPMed 0.00006; ESP Exome Variant Server 0.00031.
gnomAD v4.1: 80 of 1,611,520 alleles (0.005%); highest among the groups gnomAD compares: Middle Eastern, 0.099%; no homozygotes.

Submissions (8):

Mayo Clinic Laboratories, Mayo Clinic
Classification: Uncertain significance. Last evaluated: 2025-03-20. Review status: criteria provided, single submitter. Criteria: ACMG Guidelines, 2015. Collection method: clinical testing. Allele origin: germline. Observed: 2 variant alleles.
Comment: PP3, PM2_supporting

3billion
Classification: Uncertain significance for Merosin deficient congenital muscular dystrophy. Last evaluated: 2025-03-05. Review status: criteria provided, single submitter. Criteria: ACMG Guidelines, 2015. Collection method: clinical testing. Allele origin: germline. Affected: yes.
Comment: The variant is observed at an extremely low frequency in the gnomAD v4.1.0 dataset (total allele frequency: 0.005%). Predicted Consequence/Location: Missense variant. The majority of the known disease-causing variants of this gene are variants expected to result in premature termination of the protein. In silico tool predictions suggest damaging effect of the variant on gene or gene product [REVEL: 0.68 (>=0.6, sensitivity 0.68 and specificity 0.92)]. The variant has been reported as benign without evidence for the classification (ClinVar ID: VCV000573318). Therefore, this variant is classified as VUS according to the recommendation of ACMG/AMP guideline.

Labcorp Genetics (formerly Invitae), Labcorp
Classification: Uncertain significance for LAMA2-related muscular dystrophy. Last evaluated: 2024-10-15. Review status: criteria provided, single submitter. Criteria: Invitae Variant Classification Sherloc (09022015). Collection method: clinical testing. Allele origin: germline.
Comment: This sequence change replaces glycine, which is neutral and non-polar, with arginine, which is basic and polar, at codon 838 of the LAMA2 protein (p.Gly838Arg). This variant is present in population databases (rs150361703, gnomAD 0.01%). This missense change has been observed in individual(s) with clinical features of LAMA2-related conditions (PMID: 36703223). ClinVar contains an entry for this variant (Variation ID: 573318). Invitae Evidence Modeling of protein sequence and biophysical properties (such as structural, functional, and spatial information, amino acid conservation, physicochemical variation, residue mobility, and thermodynamic stability) indicates that this missense variant is not expected to disrupt LAMA2 protein function with a negative predictive value of 95%. In summary, the available evidence is currently insufficient to determine the role of this variant in disease. Therefore, it has been classified as a Variant of Uncertain Significance.

Dubai Health Genomic Medicine Center, Dubai Health
Classification: Uncertain significance. Last evaluated: 2022-12-17. Review status: criteria provided, single submitter. Criteria: ACMG Guidelines, 2015. Collection method: clinical testing. Allele origin: germline. Affected: yes.

Ambry Genetics
Classification: Uncertain significance for Inborn genetic diseases. Last evaluated: 2021-12-17. Review status: criteria provided, single submitter. Criteria: Ambry Variant Classification Scheme 2023. Collection method: clinical testing. Allele origin: germline.

Fulgent Genetics
Classification: Uncertain significance for Merosin deficient congenital muscular dystrophy; Muscular dystrophy, limb-girdle, autosomal recessive 23. Last evaluated: 2021-11-03. Review status: criteria provided, single submitter. Criteria: ACMG Guidelines, 2015. Collection method: clinical testing. Allele origin: unknown.

Revvity Omics, Revvity
Classification: Uncertain significance. Last evaluated: 2021-05-28. Review status: criteria provided, single submitter. Criteria: ACMG Guidelines, 2015. Collection method: clinical testing. Allele origin: germline.

Centre de Biologie Pathologie Génétique, Centre Hospitalier Universitaire de Lille
Classification: Likely benign for Intellectual disability. Last evaluated: 2019-01-01. Review status: no assertion criteria provided. Collection method: clinical testing. Allele origin: inherited. Affected: yes. Not counted in ClinVar's aggregate classification.

Literature cited by the submitters: PubMed 36703223 (cited by Mayo Clinic Laboratories, Mayo Clinic and Labcorp Genetics (formerly Invitae), Labcorp).